The following is an entry in ClinVar:

ClinVar aggregate classification (germline): Likely benign (1 of 4 stars; one submission).

Allele frequency attached by ClinVar (database versions not stated): 1000 Genomes Project 0.00140; 1000 Genomes Project 30x 0.00172; TOPMed 0.00377; gnomAD 0.00481 and 0.00502.

Submission:

GeneDx
Classification: Likely benign. Last evaluated: 2018-06-14. Review status: criteria provided, single submitter. Criteria: GeneDx Variant Classification (06012015). Collection method: clinical testing. Allele origin: germline. Affected: yes.
Comment: This variant is considered likely benign or benign based on one or more of the following criteria: it is a conservative change, it occurs at a poorly conserved position in the protein, it is predicted to be benign by multiple in silico algorithms, and/or has population frequency not consistent with disease.

NM_005159.5(ACTC1):c.129+219_129+224del

Genes: ACTC1 (actin alpha cardiac muscle 1; minus strand), GJD2-DT (GJD2 divergent transcript; plus strand). Cytogenetic location: 15q14.
Variant type: Deletion.
Coding change: c.129+219_129+224del on transcript NM_005159.5 (MANE Select); bases 219 to 224 of the intron after coding-DNA position 129, 6 bases deleted (CTCCCT; older notation c.129+219_129+224delCTCCCT).
Molecular consequence: intron variant.
Genome position (GRCh38, 1-based): chr15:34,794,456-34,794,461, AGGGAG deleted on the plus strand (CTCCCT on the coding strand, the reverse complement: ACTC1 is on the minus strand). VCF-style (leftmost placement, unchanged base first): chr15-34794455-CAGGGAG-C. GRCh37 (hg19) VCF-style: chr15-35086656-CAGGGAG-C.
Identifiers: ClinVar variation 676784 (VCV000676784.1), dbSNP rs527292617, ClinGen allele CA268664383.
Genomic context (GRCh38, chr15:34,794,455, plus strand): 5'-GACACTAAAGACTAAAAGTCCAAAAGGCCATTAGTGGAGAGAAGCAGGTGGCTTTCACAC[CAGGGAG>C]TGGGACCCTTTTAGAGGCGTGCCACTCAGGTGTACATTCCTCAGTATGTTGGGGTTTTGT-3'